The following is an entry in ClinVar:

ClinVar aggregate classification (germline): Conflicting classifications of pathogenicity. Review status: criteria provided, conflicting classifications (1 of 4 stars). 2 submissions from 2 submitters: Likely pathogenic (1); Uncertain significance (1). Last evaluated 2024-04-11.

Conditions:
Usher syndrome type 3B. Also called: USHER SYNDROME, TYPE IIIB. Identifiers: MedGen C3281066, MONDO:0013788, OMIM 614504.
HARS-related disorders.

Allele frequency attached by ClinVar (database versions not stated): gnomAD exomes below 0.00001 and 0.00001.
gnomAD v4.1: 9 of 1,614,082 alleles (0.00056%); highest among the groups gnomAD compares: Non-Finnish European, 0.00068%; no homozygotes.

Submissions (2):

Blueprint Genetics
Classification: Likely pathogenic for HARS-related disorders. Last evaluated: 2024-04-11. Review status: criteria provided, single submitter. Criteria: ACMG Guidelines, 2015. Collection method: clinical testing. Allele origin: germline. Affected: yes. Observed: 5 variant alleles.

Labcorp Genetics (formerly Invitae), Labcorp
Classification: Uncertain significance for Usher syndrome type 3B. Last evaluated: 2023-03-09. Review status: criteria provided, single submitter. Criteria: Invitae Variant Classification Sherloc (09022015). Collection method: clinical testing. Allele origin: germline.
Comment: This sequence change replaces leucine, which is neutral and non-polar, with arginine, which is basic and polar, at codon 478 of the HARS protein (p.Leu478Arg). This variant is present in population databases (no rsID available, gnomAD 0.0009%). This variant has not been reported in the literature in individuals affected with HARS-related conditions. ClinVar contains an entry for this variant (Variation ID: 540201). Advanced modeling of protein sequence and biophysical properties (such as structural, functional, and spatial information, amino acid conservation, physicochemical variation, residue mobility, and thermodynamic stability) performed at Invitae indicates that this missense variant is not expected to disrupt HARS protein function. In summary, the available evidence is currently insufficient to determine the role of this variant in disease. Therefore, it has been classified as a Variant of Uncertain Significance.

NM_002109.6(HARS1):c.1433T>G (p.Leu478Arg)

Gene: HARS1 (histidyl-tRNA synthetase 1; minus strand). Cytogenetic location: 5q31.3.
Variant type: single nucleotide variant.
Coding change: c.1433T>G on transcript NM_002109.6 (MANE Select); coding-DNA position 1433, T replaced by G.
Protein change: p.Leu478Arg; replaces leucine 478 with arginine.
Molecular consequence: missense variant.
Genome position (GRCh38, 1-based): chr5:140,674,704, A>C on the plus strand (T>G on the coding strand, the complement: HARS1 is on the minus strand). VCF-style: chr5-140674704-A-C. GRCh37 (hg19) VCF-style: chr5-140054289-A-C.
Other names: c.1313T>G, p.Leu438Arg (NM_001258040.3); c.1373T>G, p.Leu458Arg (NM_001258041.3); c.1253T>G, p.Leu418Arg (NM_001258042.3); c.1211T>G, p.Leu404Arg (NM_001289092.2); c.1091T>G, p.Leu364Arg (NM_001289093.2); c.1346T>G, p.Leu449Arg (NM_001289094.2); short protein forms L478R, L438R, L449R, L418R, L458R, L364R, L404R.
Identifiers: ClinVar variation 540201 (VCV000540201.9), dbSNP rs1024985302, ClinGen allele CA128376638.
Genomic context (GRCh38, chr5:140,674,704, plus strand): 5'-CTCTGTCCCTTAGCCTTCCTGCCCACCTCCCTCACCTCTTCCCTGCTCGTCACTGAACGG[A>C]GCTTGATGACCCCATCCTTGAGTTCCTGCTCGCCGATGATAGCCACCAGTGGGATGCCTG-3'
Protein context (NP_002100.2, residues 468-488): EQELKDGVIK[Leu478Arg]RSVTSREEVD